The following is an entry in ClinVar:

ClinVar aggregate classification (germline): Pathogenic/Likely pathogenic. Review status: criteria provided, multiple submitters, no conflicts (2 of 4 stars). 3 submissions from 3 submitters: Pathogenic (1); Likely pathogenic (1). 1 of the submissions does not count toward it. Last evaluated 2023-05-18.

Conditions:
Gastric cancer. Also called: Malignant tumor of stomach; Stomach cancer. Identifiers: MedGen C0024623, MeSH D013274, MONDO:0001056, OMIM 613659, HP:0012126.
Familial cancer of breast. Also called: hereditary breast carcinoma; BREAST CANCER, FAMILIAL; Hereditary breast cancer. Identifiers: Orphanet 227535, MedGen C0346153, MONDO:0016419, OMIM 114480. Disease mechanism: loss of function.

gnomAD v4.1: 1 of 1,612,034 alleles (0.000062%); highest among the groups gnomAD compares: East Asian, 0.0022%; no homozygotes.

Submissions (3):

Myriad Genetics, Inc.
Classification: Likely pathogenic for Familial cancer of breast. Last evaluated: 2023-05-18. Review status: criteria provided, single submitter. Criteria: Myriad Autosomal Dominant, Autosomal Recessive and X-Linked Classification Criteria (2023). Collection method: clinical testing. Allele origin: unknown.
Comment: This variant is considered likely pathogenic. This variant occurs within a consensus splice junction and is predicted to result in abnormal mRNA splicing of either an out-of-frame exon or an in-frame exon necessary for protein stability and/or normal function.

Labcorp Genetics (formerly Invitae), Labcorp
Classification: Pathogenic for Familial cancer of breast. Last evaluated: 2022-11-15. Review status: criteria provided, single submitter. Criteria: Invitae Variant Classification Sherloc (09022015). Collection method: clinical testing. Allele origin: germline.
Comment: Studies have shown that disruption of this splice site is associated with altered splicing resulting in multiple RNA products (PMID: 31843900). ClinVar contains an entry for this variant (Variation ID: 1475524). Disruption of this splice site has been observed in individual(s) with breast, ovarian or prostate cancer (PMID: 31036035, 31843900). This variant is not present in population databases (gnomAD no frequency). This sequence change affects an acceptor splice site in intron 1 of the BARD1 gene. It is expected to disrupt RNA splicing. Variants that disrupt the donor or acceptor splice site typically lead to a loss of protein function (PMID: 16199547), and loss-of-function variants in BARD1 are known to be pathogenic (PMID: 20077502, 21344236). For these reasons, this variant has been classified as Pathogenic. This variant disrupts a region of the BARD1 protein in which other variant(s) (p.Cys71Tyr) have been determined to be pathogenic (PMID: 26350354, 29367421). This suggests that this is a clinically significant region of the protein, and that variants that disrupt it are likely to be disease-causing.

Laboratory for Genotyping Development, RIKEN
Classification: Pathogenic for Gastric cancer. Last evaluated: 2021-07-01. Review status: no assertion criteria provided. Collection method: research. Allele origin: germline. Not counted in ClinVar's aggregate classification.

Literature cited by the submitters: PubMed 31843900 (cited by Labcorp Genetics (formerly Invitae), Labcorp); PubMed 31036035 (cited by Labcorp Genetics (formerly Invitae), Labcorp); PubMed 16199547 (cited by Labcorp Genetics (formerly Invitae), Labcorp); PubMed 20077502 (cited by Labcorp Genetics (formerly Invitae), Labcorp); PubMed 21344236 (cited by Labcorp Genetics (formerly Invitae), Labcorp); PubMed 26350354 (cited by Labcorp Genetics (formerly Invitae), Labcorp); PubMed 29367421 (cited by Labcorp Genetics (formerly Invitae), Labcorp); PubMed 36988593 (cited by Laboratory for Genotyping Development, RIKEN).

NM_000465.4(BARD1):c.159-2A>C

Gene: BARD1 (BRCA1 associated RING domain 1; minus strand). Cytogenetic location: 2q35.
Variant type: single nucleotide variant.
Coding change: c.159-2A>C on transcript NM_000465.4 (MANE Select); the canonical splice acceptor site of the intron before coding-DNA position 159, A replaced by C.
Molecular consequence: splice acceptor variant. On other transcripts: intron variant (2).
Genome position (GRCh38, 1-based): chr2:214,797,119, T>G on the plus strand (A>C on the coding strand, the complement: BARD1 is on the minus strand). VCF-style: chr2-214797119-T-G. GRCh37 (hg19) VCF-style: chr2-215661843-T-G.
Other names: c.158+12293A>C (NM_001282548.2); c.159-4674A>C (NM_001282543.2); c.159-2A>C (NM_001282545.2, NM_001282549.2).
Identifiers: ClinVar variation 1475524 (VCV001475524.34), dbSNP rs1424761304, ClinGen allele CA350462338.